The following is an entry in ClinVar:

NM_000038.6(APC):c.6502C>A (p.Leu2168Ile)

Gene: APC (APC regulator of Wnt signaling pathway; plus strand). Cytogenetic location: 5q22.2.
Variant type: single nucleotide variant.
Coding change: c.6502C>A on transcript NM_000038.6 (MANE Select); coding-DNA position 6502, C replaced by A.
Protein change: p.Leu2168Ile; replaces leucine 2168 with isoleucine.
Molecular consequence: missense variant.
Genome position (GRCh38, 1-based): chr5:112,842,096, C>A. VCF-style: chr5-112842096-C-A. GRCh37 (hg19) VCF-style: chr5-112177793-C-A.
Other names: c.6502C>A, p.Leu2168Ile (NM_001127510.3, NM_001354895.2); c.6448C>A, p.Leu2150Ile (NM_001127511.3); c.6556C>A, p.Leu2186Ile (NM_001354896.2); c.6532C>A, p.Leu2178Ile (NM_001354897.2); c.6427C>A, p.Leu2143Ile (NM_001354898.2); c.6418C>A, p.Leu2140Ile (NM_001354899.2); c.6379C>A, p.Leu2127Ile (NM_001354900.2); c.6325C>A, p.Leu2109Ile (NM_001354901.2); and 5 more; short protein forms L1885I, L2008I, L2067I, L2150I, L2168I, L2178I, L2042I, L2077I.
Identifiers: ClinVar variation 826454 (VCV000826454.13), dbSNP rs767818933, ClinGen allele CA16035556.
Genomic context (GRCh38, chr5:112,842,096, plus strand): 5'-TTTCATCTTACACCTGATCAAGAAGAAAAACCCTTTACAAGTAATAAAGGCCCACGAATT[C>A]TAAAACCAGGGGAGAAAAGTACATTGGAAACTAAAAAGATAGAATCTGAAAGTAAAGGAA-3'
Protein context (NP_000029.2, residues 2158-2178): PFTSNKGPRI[Leu2168Ile]KPGEKSTLET

ClinVar aggregate classification (germline): Uncertain significance. Review status: criteria provided, multiple submitters, no conflicts (2 of 4 stars). 3 submissions from 3 submitters: Uncertain significance (3). Last evaluated 2025-03-25.

Conditions:
Hereditary cancer-predisposing syndrome. Also called: Neoplastic Syndromes, Hereditary; Hereditary Cancer Syndrome; Tumor predisposition; Hereditary neoplastic syndrome. Identifiers: Orphanet 140162, MedGen C0027672, MeSH D009386, MONDO:0015356.
APC-related disorder. Also called: APC-related condition.
Familial adenomatous polyposis 1 (FAP1). Also called: POLYPOSIS, ADENOMATOUS INTESTINAL; FAMILIAL ADENOMATOUS POLYPOSIS 1, ATTENUATED. Identifiers: MedGen C2713442, MONDO:0021056, OMIM 175100. Disease mechanism: loss of function.

gnomAD v4.1: 2 of 1,611,162 alleles (0.00012%); highest among the groups gnomAD compares: Non-Finnish European, 0.00017%; no homozygotes.

Submissions (3):

PreventionGenetics, part of Exact Sciences
Classification: Uncertain significance for APC-related condition. Last evaluated: 2025-03-25. Review status: criteria provided, single submitter. Criteria: ACMG Guidelines, 2015. Collection method: clinical testing. Allele origin: germline.
Comment: The APC c.6502C>A variant is predicted to result in the amino acid substitution p.Leu2168Ile. To our knowledge, this variant has not been reported in the literature. This variant is reported in 0.00017% of alleles in individuals of European (non-Finnish) descent in gnomAD and is interpreted as uncertain in ClinVar. At this time, the clinical significance of this variant is uncertain due to the absence of conclusive functional and genetic evidence.

Labcorp Genetics (formerly Invitae), Labcorp
Classification: Uncertain significance for Familial adenomatous polyposis 1. Last evaluated: 2024-03-15. Review status: criteria provided, single submitter. Criteria: Invitae Variant Classification Sherloc (09022015). Collection method: clinical testing. Allele origin: germline.
Comment: This sequence change replaces leucine, which is neutral and non-polar, with isoleucine, which is neutral and non-polar, at codon 2168 of the APC protein (p.Leu2168Ile). This variant is not present in population databases (gnomAD no frequency). This variant has not been reported in the literature in individuals affected with APC-related conditions. ClinVar contains an entry for this variant (Variation ID: 826454). Advanced modeling of protein sequence and biophysical properties (such as structural, functional, and spatial information, amino acid conservation, physicochemical variation, residue mobility, and thermodynamic stability) performed at Invitae indicates that this missense variant is not expected to disrupt APC protein function with a negative predictive value of 95%. In summary, the available evidence is currently insufficient to determine the role of this variant in disease. Therefore, it has been classified as a Variant of Uncertain Significance.

Ambry Genetics
Classification: Uncertain significance for Hereditary cancer-predisposing syndrome. Last evaluated: 2023-09-05. Review status: criteria provided, single submitter. Criteria: Ambry Variant Classification Scheme 2023. Collection method: clinical testing. Allele origin: germline.
Comment: The p.L2168I variant (also known as c.6502C>A), located in coding exon 15 of the APC gene, results from a C to A substitution at nucleotide position 6502. The leucine at codon 2168 is replaced by isoleucine, an amino acid with highly similar properties. This amino acid position is well conserved in available vertebrate species. In addition, in silico predictors for this gene do not accurately predict pathogenicity. Since supporting evidence is limited at this time, the clinical significance of this alteration remains unclear.